The following is an entry in ClinVar:

NM_005045.4(RELN):c.3128G>A (p.Cys1043Tyr)

Gene: RELN (reelin; minus strand). Cytogenetic location: 7q22.1.
Variant type: single nucleotide variant.
Coding change: c.3128G>A on transcript NM_005045.4 (MANE Select); coding-DNA position 3128, G replaced by A.
Protein change: p.Cys1043Tyr; replaces cysteine 1043 with tyrosine.
Molecular consequence: missense variant.
Genome position (GRCh38, 1-based): chr7:103,604,364, C>T on the plus strand (G>A on the coding strand, the complement: RELN is on the minus strand). VCF-style: chr7-103604364-C-T. GRCh37 (hg19) VCF-style: chr7-103244811-C-T.
Other names: c.3128G>A, p.Cys1043Tyr (NM_173054.3); short protein forms C1043Y.
Identifiers: ClinVar variation 2939757 (VCV002939757.3), dbSNP rs2484737230, ClinGen allele CA368763664.

ClinVar aggregate classification (germline): Uncertain significance (1 of 4 stars; one submission).

Conditions:
Norman-Roberts syndrome (LIS2). Also called: Lissencephaly 2 (Norman-Roberts type). Identifiers: Orphanet 89844, MedGen C0796089, MONDO:0009760, OMIM 257320.
Familial temporal lobe epilepsy 7. Identifiers: Orphanet 101046, MedGen C4225327, MONDO:0014639, OMIM 616436.

Submission:

Labcorp Genetics (formerly Invitae), Labcorp
Classification: Uncertain significance for Familial temporal lobe epilepsy 7; Norman-Roberts syndrome. Last evaluated: 2023-09-15. Review status: criteria provided, single submitter. Criteria: Invitae Variant Classification Sherloc (09022015). Collection method: clinical testing. Allele origin: germline.
Comment: In summary, the available evidence is currently insufficient to determine the role of this variant in disease. Therefore, it has been classified as a Variant of Uncertain Significance. Advanced modeling of protein sequence and biophysical properties (such as structural, functional, and spatial information, amino acid conservation, physicochemical variation, residue mobility, and thermodynamic stability) has been performed at Invitae for this missense variant, however the output from this modeling did not meet the statistical confidence thresholds required to predict the impact of this variant on RELN protein function. This variant has not been reported in the literature in individuals affected with RELN-related conditions. This variant is not present in population databases (gnomAD no frequency). This sequence change replaces cysteine, which is neutral and slightly polar, with tyrosine, which is neutral and polar, at codon 1043 of the RELN protein (p.Cys1043Tyr).